The following is an entry in ClinVar:

NM_000432.4(MYL2):c.172C>A (p.Arg58=)

Gene: MYL2 (myosin light chain 2; minus strand). Cytogenetic location: 12q24.11.
Variant type: single nucleotide variant.
Coding change: c.172C>A on transcript NM_000432.4 (MANE Select); coding-DNA position 172, C replaced by A.
Protein change: p.Arg58=; no amino-acid change (arginine 58 retained).
Molecular consequence: synonymous variant.
Genome position (GRCh38, 1-based): chr12:110,914,288, G>T on the plus strand (C>A on the coding strand, the complement: MYL2 is on the minus strand). VCF-style: chr12-110914288-G-T. GRCh37 (hg19) VCF-style: chr12-111352092-G-T.
Identifiers: ClinVar variation 699242 (VCV000699242.16), dbSNP rs756671869, ClinGen allele CA040633.
Genomic context (GRCh38, chr12:110,914,288, plus strand): 5'-TAATTGGACCCGGAGCCTCCTTGATCATTTCATCAATTTCTTCATTTTTCACGTTCACTC[G>T]CCCTAGGGTAGGAAACACACACTCAGGGACTCCGAGCTGGGGAGAAAGAACCATTATGAC-3'
Protein context (NP_000423.2, residues 48-68): DLRDTFAALG[Arg58=]VNVKNEEIDE

ClinVar aggregate classification (germline): Likely benign. Review status: criteria provided, multiple submitters, no conflicts (2 of 4 stars). 5 submissions from 5 submitters: Likely benign (5). Last evaluated 2025-12-31.

Conditions:
MYL2-related disorder. Also called: MYL2-related disorders; MYL2-related condition; MYL2-related disease.
Cardiovascular phenotype. Identifiers: MedGen CN230736.
Hypertrophic cardiomyopathy. Also called: HYPERTROPHIC MYOCARDIOPATHY. Identifiers: Orphanet 217569, MedGen C0007194, MeSH D002312, MONDO:0005045, HP:0001639.
Cardiomyopathy (CMYO). Also called: Cardiomyopathies. Identifiers: Orphanet 167848, MedGen C0878544, MONDO:0004994, HP:0001638. Inheritance: Various modes of inheritance.
Hypertrophic cardiomyopathy 10. Also called: MYL2-Related Familial Hypertrophic Cardiomyopathy; CARDIOMYOPATHY, HYPERTROPHIC, MID-LEFT VENTRICULAR CHAMBER TYPE, 2. Identifiers: MedGen C1834460, MONDO:0012112, OMIM 608758.

Allele frequency attached by ClinVar (database versions not stated): TOPMed 0.00002.
gnomAD v4.1: 12 of 1,612,346 alleles (0.00074%); highest among the groups gnomAD compares: Admixed American, 0.0017%; no homozygotes.

Submissions (5):

Labcorp Genetics (formerly Invitae), Labcorp
Classification: Likely benign for Hypertrophic cardiomyopathy 10. Last evaluated: 2025-12-31. Review status: criteria provided, single submitter. Criteria: Invitae Variant Classification Sherloc (09022015). Collection method: clinical testing. Allele origin: germline.

PreventionGenetics, part of Exact Sciences
Classification: Likely benign for MYL2-related condition. Last evaluated: 2025-06-17. Review status: criteria provided, single submitter. Criteria: ACMG Guidelines, 2015. Collection method: clinical testing. Allele origin: germline.
Comment: This variant is classified as likely benign based on ACMG/AMP sequence variant interpretation guidelines (Richards et al. 2015 PMID: 25741868, with internal and published modifications).

Ambry Genetics
Classification: Likely benign for Cardiovascular phenotype. Last evaluated: 2024-01-16. Review status: criteria provided, single submitter. Criteria: Ambry Variant Classification Scheme 2023. Collection method: clinical testing. Allele origin: germline.

All of Us Research Program, National Institutes of Health
Classification: Likely benign for Hypertrophic cardiomyopathy. Last evaluated: 2023-11-08. Review status: criteria provided, single submitter. Criteria: ACMG Guidelines, 2015. Collection method: clinical testing. Allele origin: germline. Inheritance: Autosomal dominant inheritance. Observed: 6 variant alleles, 6 heterozygotes.
Comment: This study involves interpretation of variants in research participants for the purpose of population health screening. Participant phenotype was not available at the time of variant classification. Additional details can be found in publication PMID: 35346344, PMCID: PMC8962531

Color Diagnostics, LLC DBA Color Health
Classification: Likely benign for Cardiomyopathy. Last evaluated: 2019-04-01. Review status: criteria provided, single submitter. Criteria: ACMG Guidelines, 2015. Collection method: clinical testing. Allele origin: germline.